The following is an entry in ClinVar:

ClinVar aggregate classification (germline): Pathogenic (1 of 4 stars; one submission).

Submission:

CeGaT Center for Human Genetics Tuebingen
Classification: Pathogenic. Last evaluated: 2025-03-01. Review status: criteria provided, single submitter. Criteria: CeGaT Center For Human Genetics Tuebingen Variant Classification Criteria Version 2. Collection method: clinical testing. Allele origin: germline. Affected: yes. Observed: 1 variant allele.
Comment: SCN8A: PVS1, PM2

NM_001330260.2(SCN8A):c.786_799del (p.Ser263fs)

Gene: SCN8A (sodium voltage-gated channel alpha subunit 8; plus strand). Cytogenetic location: 12q13.13.
Variant type: Deletion.
Coding change: c.786_799del on transcript NM_001330260.2 (MANE Select); coding-DNA positions 786 to 799, 14 bases deleted (GAGTGTTTTTGCCT).
Protein change: p.Ser263fs; shifts the reading frame from serine 263.
Molecular consequence: frameshift variant.
Genome position (GRCh38, 1-based): chr12:51,699,649-51,699,662, GAGTGTTTTTGCCT deleted; deleting any 14 consecutive bases within chr12:51,699,644-51,699,662 gives the same sequence; the c. name uses the placement nearest the transcript's 3' end. VCF-style (leftmost placement, unchanged base first): chr12-51699643-CTGCCTGAGTGTTTT-C. GRCh37 (hg19) VCF-style: chr12-52093427-CTGCCTGAGTGTTTT-C.
Other names: c.786_799del, p.Ser263fs (NM_001177984.3, NM_001369788.1, NM_014191.4); short protein forms S263fs.
Identifiers: ClinVar variation 3778455 (VCV003778455.7).